The following is an entry in ClinVar:

ClinVar aggregate classification (germline): Conflicting classifications of pathogenicity. Review status: criteria provided, conflicting classifications (1 of 4 stars). 4 submissions from 4 submitters: Uncertain significance (1); Likely benign (3). Last evaluated 2025-09-12.

Conditions:
Hereditary breast ovarian cancer syndrome. Also called: Breast and ovarian cancer; Hereditary breast and ovarian cancer; Hereditary breast and/or ovarian cancer syndrome; BRCA1- and BRCA2-Associated Hereditary Breast and Ovarian Cancer; Hereditary breast and ovarian cancer syndrome (HBOC); Hereditary breast and ovarian cancer syndrome. Identifiers: Orphanet 145, MedGen C0677776, MeSH D061325, MONDO:0003582. Disease mechanism: loss of function.
Hereditary cancer-predisposing syndrome. Also called: Tumor predisposition; Neoplastic Syndromes, Hereditary; Hereditary neoplastic syndrome; Hereditary Cancer Syndrome. Identifiers: Orphanet 140162, MedGen C0027672, MeSH D009386, MONDO:0015356.

Allele frequency attached by ClinVar (database versions not stated): gnomAD 0.00001; gnomAD exomes 0.00001 and 0.00002; ExAC 0.00002; TOPMed 0.00002.
gnomAD v4.1: 6 of 1,613,886 alleles (0.00037%); highest among the groups gnomAD compares: East Asian, 0.011%; no homozygotes.

Submissions (4):

Labcorp Genetics (formerly Invitae), Labcorp
Classification: Likely benign for Hereditary breast ovarian cancer syndrome. Last evaluated: 2025-09-12. Review status: criteria provided, single submitter. Criteria: Invitae Variant Classification Sherloc (09022015). Collection method: clinical testing. Allele origin: germline.

Women's Health and Genetics/Laboratory Corporation of America, LabCorp
Classification: Likely benign. Last evaluated: 2024-12-17. Review status: criteria provided, single submitter. Criteria: LabCorp Variant Classification Summary - May 2015. Collection method: clinical testing. Allele origin: germline.
Comment: Variant summary: BRCA2 c.8488-10A>G alters a nucleotide located at a position not widely known to affect splicing. Consensus agreement among computation tools predict no significant impact on normal splicing. However, these predictions have yet to be confirmed by functional studies. The variant allele was found at a frequency of 1.6e-05 in 251182 control chromosomes. The available data on variant occurrences in the general population are insufficient to allow any conclusion about variant significance. To our knowledge, no occurrence of c.8488-10A>G in individuals affected with Hereditary Breast And Ovarian Cancer Syndrome have been reported. ClinVar contains an entry for this variant (Variation ID: 415638). Based on the evidence outlined above, the variant was classified as likely benign.

GeneDx
Classification: Uncertain significance. Last evaluated: 2022-03-24. Review status: criteria provided, single submitter. Criteria: GeneDx Variant Classification Process June 2021. Collection method: clinical testing. Allele origin: germline. Affected: yes.
Comment: Not observed at significant frequency in large population cohorts (gnomAD); In silico analysis supports that this variant does not alter splicing; Has not been previously published as pathogenic or benign to our knowledge; Also known as 8716-10A>G

Color Diagnostics, LLC DBA Color Health
Classification: Likely benign for Hereditary cancer-predisposing syndrome. Last evaluated: 2017-11-06. Review status: criteria provided, single submitter. Criteria: ACMG Guidelines, 2015. Collection method: clinical testing. Allele origin: germline.

NM_000059.4(BRCA2):c.8488-10A>G

Gene: BRCA2 (BRCA2 DNA repair associated; plus strand). Cytogenetic location: 13q13.1.
Variant type: single nucleotide variant.
Coding change: c.8488-10A>G on transcript NM_000059.4 (MANE Select); 10 bases into the intron before coding-DNA position 8488, A replaced by G.
Molecular consequence: intron variant.
Genome position (GRCh38, 1-based): chr13:32,370,946, A>G. VCF-style: chr13-32370946-A-G. GRCh37 (hg19) VCF-style: chr13-32945083-A-G.
Identifiers: ClinVar variation 415638 (VCV000415638.22), dbSNP rs749196803, ClinGen allele CA6941249.